The following is an entry in ClinVar:

NM_005677.4(COLQ):c.109del (p.Leu37fs)

Gene: COLQ (collagen like tail subunit of asymmetric acetylcholinesterase; minus strand). Cytogenetic location: 3p25.1.
Variant type: Deletion.
Coding change: c.109del on transcript NM_005677.4 (MANE Select); coding-DNA position 109, one base deleted (C; older notation c.109delC).
Protein change: p.Leu37fs; shifts the reading frame from leucine 37.
Molecular consequence: frameshift variant.
Genome position (GRCh38, 1-based): chr3:15,489,635, G deleted on the plus strand (C on the coding strand, the reverse complement: COLQ is on the minus strand); the first of 3 consecutive G bases (chr3:15,489,635-15,489,637); deleting any one gives the same sequence. VCF-style (leftmost placement, unchanged base first): chr3-15489634-AG-A. GRCh37 (hg19) VCF-style: chr3-15531141-AG-A.
Other names: c.79del, p.Leu27fs (NM_080538.2); c.109del, p.Leu37fs (NM_080539.4); short protein forms L27fs, L37fs.
Identifiers: ClinVar variation 2444318 (VCV002444318.1), dbSNP rs2470924143, ClinGen allele CA2577652917.
Genomic context (GRCh38, chr3:15,489,634, plus strand): 5'-GGAGGCGTCAGCAGGCAGCATGCTTTGTGGCCACCACGCTTCTTCTGATCCAGGCTGGGA[AG>A]GGCTGTTCAGAGAAAACTGCCGCTCGTTAGCATGTGGTCAGTGCTGGGCCTCTGTCACAC-3'

ClinVar aggregate classification (germline): Pathogenic (1 of 4 stars; one submission).

Conditions:
Congenital myasthenic syndrome 5. Identifiers: Orphanet 590, MedGen C1864233, MONDO:0011281, OMIM 603034.

Submission:

3billion
Classification: Pathogenic for Congenital myasthenic syndrome 5. Last evaluated: 2023-02-23. Review status: criteria provided, single submitter. Criteria: ACMG Guidelines, 2015. Collection method: clinical testing. Allele origin: unknown. Affected: yes.
Comment: The variant is not observed in the gnomAD v2.1.1 dataset. This variant was predicted to result in a loss or disruption of normal protein function through nonsense-mediated decay (NMD) or protein truncation. Multiple pathogenic variants are reported downstream of the variant. The variant has been reported to be associated with COLQ related disorder (PMID: 18180250). Therefore, this variant is classified as Pathogenic according to the recommendation of ACMG/AMP guideline.

Literature cited by the submitters: PubMed 18180250.